The following is an entry in ClinVar:

ClinVar aggregate classification (germline): Uncertain significance (1 of 4 stars; one submission).

Submission:

CeGaT Center for Human Genetics Tuebingen
Classification: Uncertain significance. Last evaluated: 2026-01-01. Review status: criteria provided, single submitter. Criteria: CeGaT Center For Human Genetics Tuebingen Variant Classification Criteria Version 2. Collection method: clinical testing. Allele origin: germline. Affected: yes. Observed: 1 variant allele.
Comment: RAI1: PM2

NM_030665.4(RAI1):c.1738C>T (p.Pro580Ser)

Gene: RAI1 (retinoic acid induced 1; plus strand). Cytogenetic location: 17p11.2.
Variant type: single nucleotide variant.
Coding change: c.1738C>T on transcript NM_030665.4 (MANE Select); coding-DNA position 1738, C replaced by T.
Protein change: p.Pro580Ser; replaces proline 580 with serine.
Molecular consequence: missense variant.
Genome position (GRCh38, 1-based): chr17:17,794,686, C>T. VCF-style: chr17-17794686-C-T. GRCh37 (hg19) VCF-style: chr17-17698000-C-T.
Other names: short protein forms P580S.
Identifiers: ClinVar variation 4823053 (VCV004823053.4).
Genomic context (GRCh38, chr17:17,794,686, plus strand): 5'-TCTCCTGACGACATGTCCACCAAATCTGACGACTCCTTCCAGAGCCTACACGGCAGTCTG[C>T]CGCTCGACAGCTTCTCCAAGTTCGTGGCGGGTGAGCGGGACTGTCCGCGGCTGCTGCTCA-3'
Protein context (NP_109590.3, residues 570-590): DSFQSLHGSL[Pro580Ser]LDSFSKFVAG